The following is an entry in ClinVar:

NM_000112.4(SLC26A2):c.1153G>A (p.Asp385Asn)

Gene: SLC26A2 (solute carrier family 26 member 2; plus strand). Cytogenetic location: 5q32.
Variant type: single nucleotide variant.
Coding change: c.1153G>A on transcript NM_000112.4 (MANE Select); coding-DNA position 1153, G replaced by A.
Protein change: p.Asp385Asn; replaces aspartic acid 385 with asparagine.
Molecular consequence: missense variant.
Genome position (GRCh38, 1-based): chr5:149,980,746, G>A. VCF-style: chr5-149980746-G-A. GRCh37 (hg19) VCF-style: chr5-149360309-G-A.
Other names: short protein forms D385N.
Identifiers: ClinVar variation 2573365 (VCV002573365.1), dbSNP rs2480775116, ClinGen allele CA361707261.

ClinVar aggregate classification (germline): Uncertain significance (1 of 4 stars; one submission).

Submission:

Women's Health and Genetics/Laboratory Corporation of America, LabCorp
Classification: Uncertain significance. Last evaluated: 2023-06-20. Review status: criteria provided, single submitter. Criteria: LabCorp Variant Classification Summary - May 2015. Collection method: clinical testing. Allele origin: germline.
Comment: Variant summary: SLC26A2 c.1153G>A (p.Asp385Asn) results in a conservative amino acid change located in the SLC26A/SulP transporter domain (IPR011547) of the encoded protein sequence. Four of five in-silico tools predict a damaging effect of the variant on protein function. The variant was absent in 250960 control chromosomes (gnomAD). The available data on variant occurrences in the general population are insufficient to allow any conclusion about variant significance. c.1153G>A has been reported in the literature in the compound heterozygous state in trans with a pathogenic variant in at least one individual affected with multiple epiphyseal dysplasia, consistent with the phenotypic spectrum of SLC26A2-related skeletal dysplasias, who has been subsequently cited in other publications (e.g. Cho_2010, Kim_2011, Bae_2016). These data do not allow any conclusion about variant significance. To our knowledge, no experimental evidence demonstrating an impact on protein function has been reported. The following publications have been ascertained in the context of this evaluation (PMID: 26402641, 20592910, 21965141). No submitters have cited clinical-significance assessments for this variant to ClinVar after 2014. Based on the evidence outlined above, the variant was classified as uncertain significance.

Literature cited by the submitters: PubMed 20592910; PubMed 26402641; PubMed 21965141.